The following is an entry in ClinVar:

ClinVar aggregate classification (germline): Pathogenic (1 of 4 stars; one submission).

Allele frequency attached by ClinVar (database versions not stated): TOPMed below 0.00001.

Submission:

GeneDx
Classification: Pathogenic. Last evaluated: 2015-06-10. Review status: criteria provided, single submitter. Criteria: GeneDx Variant Classification (06012015). Collection method: clinical testing. Allele origin: germline. Affected: yes.
Comment: The D926G variant in the POLR3B gene has not been reported previously as a pathogenic variant nor as a benign polymorphism, to our knowledge. The D926G substitution was not observed in approximately 6,500 individuals of European and African American ancestry in the NHLBI Exome Sequencing Project, indicating it is not a common benign variant in these populations. The D926G variant is a non-conservative amino acid substitution, which is likely to impact secondary protein structure as these residues differ in polarity, charge, size and/or other properties. This substitution occurs at a position that is conserved across species. In silico analysis predicts this variant is probably damaging to the protein structure/function. A missense variant at the same residue (D926E) has been reported in the HumanGene Mutation Database in association with hypomyelination, cerebellar atrophy and corpus callosumhypoplasia (Stenson et al., 2014), supporting the functional importance of this region of the protein. Weinterpret D926G as a pathogenic variant.

NM_018082.6(POLR3B):c.2777A>G (p.Asp926Gly)

Gene: POLR3B (RNA polymerase III subunit B; plus strand). Cytogenetic location: 12q23.3.
Variant type: single nucleotide variant.
Coding change: c.2777A>G on transcript NM_018082.6 (MANE Select); coding-DNA position 2777, A replaced by G.
Protein change: p.Asp926Gly; replaces aspartic acid 926 with glycine.
Molecular consequence: missense variant.
Genome position (GRCh38, 1-based): chr12:106,496,118, A>G. VCF-style: chr12-106496118-A-G. GRCh37 (hg19) VCF-style: chr12-106889896-A-G.
Other names: c.2603A>G, p.Asp868Gly (NM_001160708.2); short protein forms D926G, D868G.
Identifiers: ClinVar variation 419234 (VCV000419234.2), dbSNP rs1064793739, ClinGen allele CA16619424.